The following is an entry in ClinVar:

NM_173728.4(ARHGEF15):c.1778A>G (p.Lys593Arg)

Gene: ARHGEF15 (Rho guanine nucleotide exchange factor 15; plus strand). Cytogenetic location: 17p13.1.
Variant type: single nucleotide variant.
Coding change: c.1778A>G on transcript NM_173728.4 (MANE Select); coding-DNA position 1778, A replaced by G.
Protein change: p.Lys593Arg; replaces lysine 593 with arginine.
Molecular consequence: missense variant.
Genome position (GRCh38, 1-based): chr17:8,318,460, A>G. VCF-style: chr17-8318460-A-G. GRCh37 (hg19) VCF-style: chr17-8221778-A-G.
Other names: c.1778A>G, p.Lys593Arg (NM_025014.2); short protein forms K593R.
Identifiers: ClinVar variation 1465370 (VCV001465370.7), dbSNP rs1905166149, ClinGen allele CA398022865.

ClinVar aggregate classification (germline): Uncertain significance (1 of 4 stars; one submission).

Conditions:
Early-infantile DEE. Also called: Early infantile epileptic encephalopathy with suppression bursts; Early infantile epileptic encephalopathy; Ohtahara syndrome. Identifiers: Orphanet 1934, MedGen C0393706, MONDO:0800491.

Allele frequency attached by ClinVar (database versions not stated): TOPMed below 0.00001.

Submission:

Labcorp Genetics (formerly Invitae), Labcorp
Classification: Uncertain significance for Early-infantile DEE. Last evaluated: 2025-02-10. Review status: criteria provided, single submitter. Criteria: Invitae Variant Classification Sherloc (09022015). Collection method: clinical testing. Allele origin: germline.
Comment: This sequence change replaces lysine, which is basic and polar, with arginine, which is basic and polar, at codon 593 of the ARHGEF15 protein (p.Lys593Arg). This variant is not present in population databases (gnomAD no frequency). This variant has not been reported in the literature in individuals affected with ARHGEF15-related conditions. ClinVar contains an entry for this variant (Variation ID: 1465370). An algorithm developed to predict the effect of missense changes on protein structure and function (PolyPhen-2) suggests that this variant is likely to be disruptive. Algorithms developed to predict the effect of sequence changes on RNA splicing suggest that this variant may disrupt the consensus splice site. In summary, the available evidence is currently insufficient to determine the role of this variant in disease. Therefore, it has been classified as a Variant of Uncertain Significance.